The following is an entry in ClinVar:

ClinVar aggregate classification (germline): Benign/Likely benign. Review status: criteria provided, multiple submitters, no conflicts (2 of 4 stars). 5 submissions from 5 submitters: Benign (3); Likely benign (2). Last evaluated 2026-09-01.

Conditions:
Bainbridge-Ropers syndrome. Also called: Severe feeding difficulties-failure to thrive-microcephaly due to ASXL3 deficiency syndrome. Identifiers: Orphanet 352577, MedGen C4750837, MONDO:0014205, OMIM 615485.

Allele frequency attached by ClinVar (database versions not stated): 1000 Genomes Project 0.00060; 1000 Genomes Project 30x 0.00062; TOPMed 0.00306; gnomAD 0.00312 and 0.00318; gnomAD exomes 0.00399 and 0.00496; ESP Exome Variant Server 0.00415; ExAC 0.00440.
gnomAD v4.1: 7,651 of 1,613,876 alleles (0.47%); highest among the groups gnomAD compares: Middle Eastern, 0.79%; 39 homozygotes.

Submissions (5):

CeGaT Center for Human Genetics Tuebingen
Classification: Likely benign. Last evaluated: 2026-09-01. Review status: criteria provided, single submitter. Criteria: CeGaT Center For Human Genetics Tuebingen Variant Classification Criteria Version 2. Collection method: clinical testing. Allele origin: germline. Affected: yes. Observed: 30 variant alleles.
Comment: ASXL3: BP4, BP7, BS2

Genome-Nilou Lab
Classification: Benign for Bainbridge-Ropers syndrome. Last evaluated: 2021-12-05. Review status: criteria provided, single submitter. Criteria: ACMG Guidelines, 2015. Collection method: clinical testing. Allele origin: germline. Affected: no.

GeneDx
Classification: Benign. Last evaluated: 2019-02-11. Review status: criteria provided, single submitter. Criteria: GeneDx Variant Classification Process June 2021. Collection method: clinical testing. Allele origin: germline. Affected: yes.

Genetic Services Laboratory, University of Chicago
Classification: Benign. Last evaluated: 2017-03-15. Review status: criteria provided, single submitter. Criteria: ACMG Guidelines, 2015. Collection method: clinical testing. Allele origin: germline. Affected: no.

Breakthrough Genomics
Classification: Likely benign. Review status: criteria provided, single submitter. Criteria: ACMG Guidelines, 2015. Collection method: not provided. Allele origin: germline. Inheritance: Autosomal dominant inheritance. Affected: yes.

NM_030632.3(ASXL3):c.2457T>C (p.Ala819=)

Gene: ASXL3 (ASXL transcriptional regulator 3; plus strand). Cytogenetic location: 18q12.1.
Variant type: single nucleotide variant.
Coding change: c.2457T>C on transcript NM_030632.3 (MANE Select); coding-DNA position 2457, T replaced by C.
Protein change: p.Ala819=; no amino-acid change (alanine 819 retained).
Molecular consequence: synonymous variant.
Genome position (GRCh38, 1-based): chr18:33,739,861, T>C. VCF-style: chr18-33739861-T-C. GRCh37 (hg19) VCF-style: chr18-31319825-T-C.
Identifiers: ClinVar variation 210370 (VCV000210370.46), dbSNP rs199974440, ClinGen allele CA207751.